The following is an entry in ClinVar:

ClinVar aggregate classification (germline): Uncertain significance. Review status: criteria provided, multiple submitters, no conflicts (2 of 4 stars). 2 submissions from 2 submitters: Uncertain significance (2). Last evaluated 2024-03-18.

Conditions:
Hereditary cancer-predisposing syndrome. Also called: Hereditary neoplastic syndrome; Neoplastic Syndromes, Hereditary; Tumor predisposition; Hereditary Cancer Syndrome. Identifiers: Orphanet 140162, MedGen C0027672, MeSH D009386, MONDO:0015356.
Ataxia-telangiectasia syndrome (AT). Also called: Ataxia telangiectasia (A-T); LOUIS-BAR SYNDROME; Cerebello-oculocutaneous telangiectasia; Immunodeficiency with ataxia telangiectasia; Ataxia-telangiectasia, complementation group D; AT, COMPLEMENTATION GROUP C. Identifiers: Orphanet 100, MedGen C0004135, MONDO:0008840, OMIM 208900.

Allele frequency attached by ClinVar (database versions not stated): gnomAD exomes below 0.00001.
gnomAD v4.1: 1 of 1,613,934 alleles (0.000062%); highest among the groups gnomAD compares: East Asian, 0.0022%; no homozygotes.

Submissions (2):

Labcorp Genetics (formerly Invitae), Labcorp
Classification: Uncertain significance for Ataxia-telangiectasia syndrome. Last evaluated: 2024-03-18. Review status: criteria provided, single submitter. Criteria: Invitae Variant Classification Sherloc (09022015). Collection method: clinical testing. Allele origin: germline.
Comment: This sequence change replaces threonine, which is neutral and polar, with isoleucine, which is neutral and non-polar, at codon 2584 of the ATM protein (p.Thr2584Ile). This variant is not present in population databases (gnomAD no frequency). This variant has not been reported in the literature in individuals affected with ATM-related conditions. ClinVar contains an entry for this variant (Variation ID: 1760464). Algorithms developed to predict the effect of missense changes on protein structure and function output the following: SIFT: "Not Available"; PolyPhen-2: "Benign"; Align-GVGD: "Not Available". The isoleucine amino acid residue is found in multiple mammalian species, which suggests that this missense change does not adversely affect protein function. In summary, the available evidence is currently insufficient to determine the role of this variant in disease. Therefore, it has been classified as a Variant of Uncertain Significance.

Ambry Genetics
Classification: Uncertain significance for Hereditary cancer-predisposing syndrome. Last evaluated: 2021-01-08. Review status: criteria provided, single submitter. Criteria: Ambry Variant Classification Scheme 2023. Collection method: clinical testing. Allele origin: germline.
Comment: The p.T2584I variant (also known as c.7751C>T), located in coding exon 51 of the ATM gene, results from a C to T substitution at nucleotide position 7751. The threonine at codon 2584 is replaced by isoleucine, an amino acid with similar properties. This amino acid position is not well conserved in available vertebrate species. In addition, this alteration is predicted to be tolerated by in silico analysis. Since supporting evidence is limited at this time, the clinical significance of this alteration remains unclear.

NM_000051.4(ATM):c.7751C>T (p.Thr2584Ile)

Genes: ATM (ATM serine/threonine kinase; plus strand), C11orf65 (chromosome 11 open reading frame 65; minus strand). Cytogenetic location: 11q22.3.
Variant type: single nucleotide variant.
Coding change: c.7751C>T on transcript NM_000051.4 (MANE Select); coding-DNA position 7751, C replaced by T.
Protein change: p.Thr2584Ile; replaces threonine 2584 with isoleucine.
Molecular consequence: missense variant. On other transcripts: intron variant (2).
Genome position (GRCh38, 1-based): chr11:108,332,000, C>T. VCF-style: chr11-108332000-C-T. GRCh37 (hg19) VCF-style: chr11-108202727-C-T.
Other names: c.7751C>T, p.Thr2584Ile (NM_001351834.2); c.641-22929G>A (NM_001330368.2); c.*38+3220G>A (NM_001351110.2); short protein forms T2584I.
Identifiers: ClinVar variation 1760464 (VCV001760464.4), dbSNP rs2136526363, ClinGen allele CA382561146.